The following is an entry in ClinVar:

ClinVar aggregate classification (germline): Likely benign. Review status: criteria provided, multiple submitters, no conflicts (2 of 4 stars). 2 submissions from 2 submitters: Likely benign (2). Last evaluated 2026-01-24.

Conditions:
Kufor-Rakeb syndrome (KRS). Also called: PARKINSON DISEASE 9, AUTOSOMAL RECESSIVE, JUVENILE-ONSET. Identifiers: Orphanet 306674, Orphanet 314632, MedGen C1847640, MONDO:0011706, OMIM 606693.
Autosomal recessive spastic paraplegia type 78. Identifiers: Orphanet 513436, MedGen C5567893, MONDO:0014975, OMIM 617225.

Allele frequency attached by ClinVar (database versions not stated): ExAC 0.00001; gnomAD exomes 0.00001; gnomAD 0.00002; TOPMed 0.00005.
gnomAD v4.1: 10 of 1,613,106 alleles (0.00062%); highest among the groups gnomAD compares: Admixed American, 0.0033%; no homozygotes.

Submissions (2):

Labcorp Genetics (formerly Invitae), Labcorp
Classification: Likely benign for Kufor-Rakeb syndrome; Autosomal recessive spastic paraplegia type 78. Last evaluated: 2026-01-24. Review status: criteria provided, single submitter. Criteria: Invitae Variant Classification Sherloc (09022015). Collection method: clinical testing. Allele origin: germline.

CeGaT Center for Human Genetics Tuebingen
Classification: Likely benign. Last evaluated: 2023-06-01. Review status: criteria provided, single submitter. Criteria: CeGaT Center For Human Genetics Tuebingen Variant Classification Criteria Version 2. Collection method: clinical testing. Allele origin: germline. Affected: yes. Observed: 1 variant allele.
Comment: ATP13A2: BP4, BP7

NM_022089.4(ATP13A2):c.585C>T (p.Asp195=)

Gene: ATP13A2 (ATPase cation transporting 13A2; minus strand). Cytogenetic location: 1p36.13.
Variant type: single nucleotide variant.
Coding change: c.585C>T on transcript NM_022089.4 (MANE Select); coding-DNA position 585, C replaced by T.
Protein change: p.Asp195=; no amino-acid change (aspartic acid 195 retained).
Molecular consequence: synonymous variant.
Genome position (GRCh38, 1-based): chr1:17,002,346, G>A on the plus strand (C>T on the coding strand, the complement: ATP13A2 is on the minus strand). VCF-style: chr1-17002346-G-A. GRCh37 (hg19) VCF-style: chr1-17328841-G-A.
Other names: c.570C>T, p.Asp190= (NM_001141973.3, NM_001141974.3).
Identifiers: ClinVar variation 1550367 (VCV001550367.34), dbSNP rs765706877, ClinGen allele CA637573.
Genomic context (GRCh38, chr1:17,002,346, plus strand): 5'-CAGCACTGACCTCACCATTTGGTCCTGGAGGCTGAGGCCATGGCGGGAGCGGTGGACGTC[G>A]TCACAAGAGCGGCCATGGTCCAGGAGGCTGGGGGTGGGTGCGAGGGGACACGCATGGGCC-3'
Protein context (NP_071372.1, residues 185-205): VSLLDHGRSC[Asp195=]DVHRSRHGLS